The following is an entry in ClinVar:

NM_001003800.2(BICD2):c.1862G>A (p.Arg621His)

Gene: BICD2 (BICD cargo adaptor 2; minus strand). Cytogenetic location: 9q22.31.
Variant type: single nucleotide variant.
Coding change: c.1862G>A on transcript NM_001003800.2 (MANE Select); coding-DNA position 1862, G replaced by A.
Protein change: p.Arg621His; replaces arginine 621 with histidine.
Molecular consequence: missense variant.
Genome position (GRCh38, 1-based): chr9:92,718,783, C>T on the plus strand (G>A on the coding strand, the complement: BICD2 is on the minus strand). VCF-style: chr9-92718783-C-T. GRCh37 (hg19) VCF-style: chr9-95481065-C-T.
Other names: c.1862G>A, p.Arg621His (NM_015250.4); short protein forms R621H.
Identifiers: ClinVar variation 2065742 (VCV002065742.4), dbSNP rs773315656, ClinGen allele CA5126466.

ClinVar aggregate classification (germline): Uncertain significance (1 of 4 stars; one submission).

Conditions:
Autosomal dominant childhood-onset proximal spinal muscular atrophy with contractures (SMALED2A). Also called: Spinal muscular atrophy, lower extremity-predominant, 2A, autosomal dominant; SPINAL MUSCULAR ATROPHY, LOWER EXTREMITY-PREDOMINANT, 2A, CHILDHOOD ONSET, AUTOSOMAL DOMINANT. Identifiers: Orphanet 363447, Orphanet 363454, MedGen C4747715, MONDO:0014121, OMIM 615290.

Allele frequency attached by ClinVar (database versions not stated): TOPMed 0.00004; gnomAD 0.00002; ExAC 0.00003.
gnomAD v4.1: 45 of 1,613,736 alleles (0.0028%); highest among the groups gnomAD compares: South Asian, 0.0077%; no homozygotes.

Submission:

Labcorp Genetics (formerly Invitae), Labcorp
Classification: Uncertain significance for Autosomal dominant childhood-onset proximal spinal muscular atrophy with contractures. Last evaluated: 2024-09-21. Review status: criteria provided, single submitter. Criteria: Invitae Variant Classification Sherloc (09022015). Collection method: clinical testing. Allele origin: germline.
Comment: This sequence change replaces arginine, which is basic and polar, with histidine, which is basic and polar, at codon 621 of the BICD2 protein (p.Arg621His). This variant is present in population databases (rs773315656, gnomAD 0.006%). This variant has not been reported in the literature in individuals affected with BICD2-related conditions. ClinVar contains an entry for this variant (Variation ID: 2065742). Invitae Evidence Modeling of protein sequence and biophysical properties (such as structural, functional, and spatial information, amino acid conservation, physicochemical variation, residue mobility, and thermodynamic stability) indicates that this missense variant is not expected to disrupt BICD2 protein function with a negative predictive value of 80%. In summary, the available evidence is currently insufficient to determine the role of this variant in disease. Therefore, it has been classified as a Variant of Uncertain Significance.